The following is an entry in ClinVar:

NM_001376.5(DYNC1H1):c.13515+8C>T

Gene: DYNC1H1 (dynein cytoplasmic 1 heavy chain 1; plus strand). Cytogenetic location: 14q32.31.
Variant type: single nucleotide variant.
Coding change: c.13515+8C>T on transcript NM_001376.5 (MANE Select); 8 bases into the intron after coding-DNA position 13515, C replaced by T.
Molecular consequence: intron variant.
Genome position (GRCh38, 1-based): chr14:102,049,590, C>T. VCF-style: chr14-102049590-C-T. GRCh37 (hg19) VCF-style: chr14-102515927-C-T.
Identifiers: ClinVar variation 312665 (VCV000312665.18), dbSNP rs200901713, ClinGen allele CA7354253.

ClinVar aggregate classification (germline): Conflicting classifications of pathogenicity. Review status: criteria provided, conflicting classifications (1 of 4 stars). 5 submissions from 4 submitters: Uncertain significance (2); Likely benign (2). 1 of the submissions does not count toward it. Last evaluated 2025-10-23.

Conditions:
DYNC1H1-related disorder. Also called: DYNC1H1-related condition; DYNC1H1-related disorders. Identifiers: MedGen CN381529.
Autosomal dominant cerebellar ataxia. Also called: Spinocerebellar Ataxia, Dominant. Identifiers: Orphanet 99, MedGen C4087347, MONDO:0020380.
Charcot-Marie-Tooth disease axonal type 2O. Also called: CHARCOT-MARIE-TOOTH NEUROPATHY, AXONAL, TYPE 2O; CHARCOT-MARIE-TOOTH DISEASE, AXONAL, AUTOSOMAL DOMINANT, TYPE 2O; Charcot-Marie-Tooth Neuropathy Type 2O; Charcot-Marie-Tooth disease, axonal, type 20. Identifiers: Orphanet 284232, MedGen C3280220, MONDO:0013644, OMIM 614228.

Allele frequency attached by ClinVar (database versions not stated): gnomAD exomes 0.00007 and 0.00010; TOPMed 0.00007; ExAC 0.00009; gnomAD 0.00009; ESP Exome Variant Server 0.00015.
gnomAD v4.1: 120 of 1,613,708 alleles (0.0074%); highest among the groups gnomAD compares: Middle Eastern, 0.033%; no homozygotes.

Submissions (5):

Labcorp Genetics (formerly Invitae), Labcorp
Classification: Likely benign for Charcot-Marie-Tooth disease axonal type 2O. Last evaluated: 2025-10-23. Review status: criteria provided, single submitter. Criteria: Invitae Variant Classification Sherloc (09022015). Collection method: clinical testing. Allele origin: germline.

GeneDx
Classification: Likely benign. Last evaluated: 2018-05-04. Review status: criteria provided, single submitter. Criteria: GeneDx Variant Classification (06012015). Collection method: clinical testing. Allele origin: germline. Affected: yes.
Comment: This variant is considered likely benign or benign based on one or more of the following criteria: it is a conservative change, it occurs at a poorly conserved position in the protein, it is predicted to be benign by multiple in silico algorithms, and/or has population frequency not consistent with disease.

Illumina Laboratory Services, Illumina
Classification: Uncertain significance for Spinocerebellar Ataxia, Dominant. Last evaluated: 2018-01-13. Review status: criteria provided, single submitter. Criteria: ICSL Variant Classification Criteria 13 December 2019. Collection method: clinical testing. Allele origin: germline.

Illumina Laboratory Services, Illumina
Classification: Uncertain significance for Charcot-Marie-Tooth disease axonal type 2O. Last evaluated: 2018-01-13. Review status: criteria provided, single submitter. Criteria: ICSL Variant Classification Criteria 13 December 2019. Collection method: clinical testing. Allele origin: germline.

PreventionGenetics, part of Exact Sciences
Classification: Likely benign for DYNC1H1-related condition. Last evaluated: 2024-01-08. Review status: no assertion criteria provided. Collection method: clinical testing. Allele origin: germline. Not counted in ClinVar's aggregate classification.
Comment: This variant is classified as likely benign based on ACMG/AMP sequence variant interpretation guidelines (Richards et al. 2015 PMID: 25741868, with internal and published modifications).